The following is an entry in ClinVar:

NM_153033.5(KCTD7):c.235G>A (p.Ala79Thr)

Gene: KCTD7 (potassium channel tetramerization domain containing 7; plus strand). Cytogenetic location: 7q11.21.
Variant type: single nucleotide variant.
Coding change: c.235G>A on transcript NM_153033.5 (MANE Select); coding-DNA position 235, G replaced by A.
Protein change: p.Ala79Thr; replaces alanine 79 with threonine.
Molecular consequence: missense variant.
Genome position (GRCh38, 1-based): chr7:66,633,365, G>A. VCF-style: chr7-66633365-G-A. GRCh37 (hg19) VCF-style: chr7-66098352-G-A.
Other names: c.235G>A, p.Ala79Thr (NM_001167961.2); short protein forms A79T.
Identifiers: ClinVar variation 1995340 (VCV001995340.4), dbSNP rs2535241226, ClinGen allele CA367695615.
Genomic context (GRCh38, chr7:66,633,365, plus strand): 5'-GGGGCTCACTTCACTACACGCCTGTCCACACTGCGGTGCTACGAAGACACCATGTTGGCA[G>A]CCATGTTCAGTGGGCGGCACTACATCCCCACGGACTCCGAGGGCCGGTACTTCATCGACC-3'
Protein context (NP_694578.1, residues 69-89): LRCYEDTMLA[Ala79Thr]MFSGRHYIPT

ClinVar aggregate classification (germline): Uncertain significance (1 of 4 stars; one submission).

Conditions:
Progressive myoclonic epilepsy type 3. Also called: EPILEPSY, PROGRESSIVE MYOCLONIC, 3, WITHOUT INTRACELLULAR INCLUSIONS; KCTD7-Related Progressive Myoclonic Epilepsy; EPILEPSY, PROGRESSIVE MYOCLONIC, 3, WITH OR WITHOUT INTRACELLULAR INCLUSIONS; CEROID LIPOFUSCINOSIS, NEURONAL, 14. Identifiers: Orphanet 263516, MedGen C2673257, MONDO:0012721, OMIM 611726.

Submission:

Labcorp Genetics (formerly Invitae), Labcorp
Classification: Uncertain significance for Progressive myoclonic epilepsy type 3. Last evaluated: 2022-05-16. Review status: criteria provided, single submitter. Criteria: Invitae Variant Classification Sherloc (09022015). Collection method: clinical testing. Allele origin: germline.
Comment: In summary, the available evidence is currently insufficient to determine the role of this variant in disease. Therefore, it has been classified as a Variant of Uncertain Significance. Algorithms developed to predict the effect of missense changes on protein structure and function (SIFT, PolyPhen-2, Align-GVGD) all suggest that this variant is likely to be disruptive. This variant has not been reported in the literature in individuals affected with KCTD7-related conditions. This variant is not present in population databases (gnomAD no frequency). This sequence change replaces alanine, which is neutral and non-polar, with threonine, which is neutral and polar, at codon 79 of the KCTD7 protein (p.Ala79Thr).